The following is an entry in ClinVar:

NM_198334.3(GANAB):c.2093G>A (p.Arg698Gln)

Gene: GANAB (glucosidase II alpha subunit; minus strand). Cytogenetic location: 11q12.3.
Variant type: single nucleotide variant.
Coding change: c.2093G>A on transcript NM_198334.3 (MANE Select); coding-DNA position 2093, G replaced by A.
Protein change: p.Arg698Gln; replaces arginine 698 with glutamine.
Molecular consequence: missense variant.
Genome position (GRCh38, 1-based): chr11:62,628,856, C>T on the plus strand (G>A on the coding strand, the complement: GANAB is on the minus strand). VCF-style: chr11-62628856-C-T. GRCh37 (hg19) VCF-style: chr11-62396328-C-T.
Other names: c.2159G>A, p.Arg720Gln (NM_198335.4); c.1817G>A, p.Arg606Gln (NM_001278192.2); c.1751G>A, p.Arg584Gln (NM_001278193.2); c.1802G>A, p.Arg601Gln (NM_001278194.2, NM_001329222.2, NM_001329223.2); c.1370G>A, p.Arg457Gln (NM_001329224.2, NM_001329225.2); short protein forms R584Q, R601Q, R720Q, R606Q, R698Q, R457Q.
Identifiers: ClinVar variation 972836 (VCV000972836.5), dbSNP rs765000469, ClinGen allele CA6050585.

ClinVar aggregate classification (germline): Uncertain significance. Review status: criteria provided, multiple submitters, no conflicts (2 of 4 stars). 4 submissions from 4 submitters: Uncertain significance (4). Last evaluated 2025-08-18.

Conditions:
GANAB-related disorder. Also called: GANAB-related condition.
Polycystic kidney disease 3 with or without polycystic liver disease. Also called: Polycystic Kidney and/or Polycystic Liver Disease 3; POLYCYSTIC KIDNEY DISEASE, ADULT, TYPE III; Polycystic kidney disease 3. Identifiers: MedGen C3887964, MONDO:0010916, OMIM 600666.

Allele frequency attached by ClinVar (database versions not stated): gnomAD 0.00003 and 0.00004; ExAC 0.00005; gnomAD exomes 0.00007 and 0.00017; TOPMed 0.00007.
gnomAD v4.1: 269 of 1,614,018 alleles (0.017%); highest among the groups gnomAD compares: Non-Finnish European, 0.02%; no homozygotes.

Submissions (4):

Labcorp Genetics (formerly Invitae), Labcorp
Classification: Uncertain significance. Last evaluated: 2025-08-18. Review status: criteria provided, single submitter. Criteria: Invitae Variant Classification Sherloc (09022015). Collection method: clinical testing. Allele origin: germline.
Comment: This sequence change replaces arginine, which is basic and polar, with glutamine, which is neutral and polar, at codon 720 of the GANAB protein (p.Arg720Gln). This variant is present in population databases (rs765000469, gnomAD 0.01%). This missense change has been observed in individual(s) with polycystic kidney disease (PMID: 33437033). ClinVar contains an entry for this variant (Variation ID: 972836). Invitae Evidence Modeling of protein sequence and biophysical properties (such as structural, functional, and spatial information, amino acid conservation, physicochemical variation, residue mobility, and thermodynamic stability) indicates that this missense variant is expected to disrupt GANAB protein function with a positive predictive value of 80%. In summary, the available evidence is currently insufficient to determine the role of this variant in disease. Therefore, it has been classified as a Variant of Uncertain Significance.

PreventionGenetics, part of Exact Sciences
Classification: Uncertain significance for GANAB-related condition. Last evaluated: 2025-07-06. Review status: criteria provided, single submitter. Criteria: ACMG Guidelines, 2015. Collection method: clinical testing. Allele origin: germline.
Comment: The GANAB c.2159G>A variant is predicted to result in the amino acid substitution p.Arg720Gln. This variant was reported in an individual with a typical autosomal dominant polycystic kidney disease (ADPKD) phenotype, but this individual also has a pathogenic nonsense variant in PKD1 that is likely the primary cause of ADPKD (Table S3, Mallawaarachchi et al. 2021. PubMed ID: 33437033). This variant is reported in 0.013% of alleles in individuals of European (Non-Finnish) descent in gnomAD. Although we suspect that this variant may be benign, at this time, the clinical significance of this variant is uncertain due to the absence of conclusive functional and genetic evidence.

Fulgent Genetics
Classification: Uncertain significance for Polycystic kidney disease 3 with or without polycystic liver disease. Last evaluated: 2024-05-10. Review status: criteria provided, single submitter. Criteria: ACMG Guidelines, 2015. Collection method: clinical testing. Allele origin: germline.

Molecular Genetics of Inherited Kidney Disorders Laboratory, Garvan Institute of Medical Research
Classification: Uncertain significance. Last evaluated: 2019-01-01. Review status: criteria provided, single submitter. Criteria: ACMG Guidelines, 2015. Collection method: clinical testing. Allele origin: germline. Affected: yes.

Literature cited by the submitters: PubMed 33437033 (cited by Labcorp Genetics (formerly Invitae), Labcorp).